The following is an entry in ClinVar:

ClinVar aggregate classification (germline): Likely benign (1 of 4 stars; one submission).

Submission:

CeGaT Center for Human Genetics Tuebingen
Classification: Likely benign. Last evaluated: 2026-05-01. Review status: criteria provided, single submitter. Criteria: CeGaT Center For Human Genetics Tuebingen Variant Classification Criteria Version 2. Collection method: clinical testing. Allele origin: germline. Affected: yes. Observed: 1 variant allele.
Comment: SLITRK2: BS2

NM_032539.5(SLITRK2):c.1481C>T (p.Thr494Met)

Gene: SLITRK2 (SLIT and NTRK like family member 2; plus strand). Cytogenetic location: Xq27.3.
Variant type: single nucleotide variant.
Coding change: c.1481C>T on transcript NM_032539.5 (MANE Select); coding-DNA position 1481, C replaced by T.
Protein change: p.Thr494Met; replaces threonine 494 with methionine.
Molecular consequence: missense variant.
Genome position (GRCh38, 1-based): chrX:145,823,906, C>T. VCF-style: chrX-145823906-C-T. GRCh37 (hg19) VCF-style: chrX-144905424-C-T.
Other names: c.1481C>T, p.Thr494Met (NM_001144003.3, NM_001144004.3, NM_001144005.3 and 4 more transcripts); short protein forms T494M.
Identifiers: ClinVar variation 4873333 (VCV004873333.2).
Genomic context (GRCh38, chrX:145,823,906, plus strand): 5'-AGCTACTGTTTCTGAACAACAACCTTCTTCGGTCCTTACCTGATAATATATTTGGGGGGA[C>T]GGCCCTAACCAGGCTGAATCTGAGAAACAACCATTTTTCTCACCTGCCCGTGAAAGGGGT-3'
Protein context (NP_115928.1, residues 484-504): RSLPDNIFGG[Thr494Met]ALTRLNLRNN